The following is an entry in ClinVar:

NM_002241.5(KCNJ10):c.19G>A (p.Val7Met)

Gene: KCNJ10 (potassium inwardly rectifying channel subfamily J member 10; minus strand). Cytogenetic location: 1q23.2.
Variant type: single nucleotide variant.
Coding change: c.19G>A on transcript NM_002241.5 (MANE Select); coding-DNA position 19, G replaced by A.
Protein change: p.Val7Met; replaces valine 7 with methionine.
Molecular consequence: missense variant.
Genome position (GRCh38, 1-based): chr1:160,042,514, C>T on the plus strand (G>A on the coding strand, the complement: KCNJ10 is on the minus strand). VCF-style: chr1-160042514-C-T. GRCh37 (hg19) VCF-style: chr1-160012304-C-T.
Other names: short protein forms V7M.
Identifiers: ClinVar variation 3720094 (VCV003720094.2).
Genomic context (GRCh38, chr1:160,042,514, plus strand): 5'-GTCGTATCCCTGGGCCCATTAGGGGCCGGCTTTCTGTCTGAGTGGTCTGACTGTAATACA[C>T]CTTGGCAACTGACGTCATCTGGAGGGAGCAAGACAGCATAATGGAGGTTATCGTAGAAAT-3'
Protein context (NP_002232.2, residues 1-17): MTSVAK[Val7Met]YYSQTTQTES

ClinVar aggregate classification (germline): Uncertain significance (1 of 4 stars; one submission).

Conditions:
EAST syndrome (SESAMES). Also called: SEIZURES, SENSORINEURAL DEAFNESS, ATAXIA, IMPAIRED INTELLECTUAL DEVELOPMENT, AND ELECTROLYTE IMBALANCE. Identifiers: Orphanet 199343, MedGen C2748572, MONDO:0013005, OMIM 612780.

Submission:

Labcorp Genetics (formerly Invitae), Labcorp
Classification: Uncertain significance for EAST syndrome. Last evaluated: 2024-12-02. Review status: criteria provided, single submitter. Criteria: Invitae Variant Classification Sherloc (09022015). Collection method: clinical testing. Allele origin: germline.
Comment: This sequence change replaces valine, which is neutral and non-polar, with methionine, which is neutral and non-polar, at codon 7 of the KCNJ10 protein (p.Val7Met). This variant is not present in population databases (gnomAD no frequency). This variant has not been reported in the literature in individuals affected with KCNJ10-related conditions. Invitae Evidence Modeling of protein sequence and biophysical properties (such as structural, functional, and spatial information, amino acid conservation, physicochemical variation, residue mobility, and thermodynamic stability) indicates that this missense variant is not expected to disrupt KCNJ10 protein function with a negative predictive value of 95%. In summary, the available evidence is currently insufficient to determine the role of this variant in disease. Therefore, it has been classified as a Variant of Uncertain Significance.